The following is an entry in ClinVar:

ClinVar aggregate classification (germline): Uncertain significance (1 of 4 stars; one submission).

Submission:

Labcorp Genetics (formerly Invitae), Labcorp
Classification: Uncertain significance. Last evaluated: 2024-03-02. Review status: criteria provided, single submitter. Criteria: Invitae Variant Classification Sherloc (09022015). Collection method: clinical testing. Allele origin: germline.
Comment: This sequence change replaces threonine, which is neutral and polar, with isoleucine, which is neutral and non-polar, at codon 800 of the SCN3A protein (p.Thr800Ile). This variant is not present in population databases (gnomAD no frequency). This variant has not been reported in the literature in individuals affected with SCN3A-related conditions. Advanced modeling of protein sequence and biophysical properties (such as structural, functional, and spatial information, amino acid conservation, physicochemical variation, residue mobility, and thermodynamic stability) performed at Invitae indicates that this missense variant is expected to disrupt SCN3A protein function with a positive predictive value of 80%. In summary, the available evidence is currently insufficient to determine the role of this variant in disease. Therefore, it has been classified as a Variant of Uncertain Significance.

NM_006922.4(SCN3A):c.2399C>T (p.Thr800Ile)

Gene: SCN3A (sodium voltage-gated channel alpha subunit 3; minus strand). Cytogenetic location: 2q24.3.
Variant type: single nucleotide variant.
Coding change: c.2399C>T on transcript NM_006922.4 (MANE Select); coding-DNA position 2399, C replaced by T.
Protein change: p.Thr800Ile; replaces threonine 800 with isoleucine.
Molecular consequence: missense variant.
Genome position (GRCh38, 1-based): chr2:165,131,410, G>A on the plus strand (C>T on the coding strand, the complement: SCN3A is on the minus strand). VCF-style: chr2-165131410-G-A. GRCh37 (hg19) VCF-style: chr2-165987920-G-A.
Other names: c.2252C>T, p.Thr751Ile (NM_001081676.2, NM_001081677.2); short protein forms T751I, T800I.
Identifiers: ClinVar variation 3644069 (VCV003644069.2).